The following is an entry in ClinVar:

ClinVar aggregate classification (germline): Likely pathogenic (1 of 4 stars; one submission).

Submission:

Labcorp Genetics (formerly Invitae), Labcorp
Classification: Likely pathogenic. Last evaluated: 2023-07-08. Review status: criteria provided, single submitter. Criteria: Invitae Variant Classification Sherloc (09022015). Collection method: clinical testing. Allele origin: unknown.
Comment: This variant results in a copy number gain of the genomic region encompassing exon(s) 5 of the FAM161A gene. While the exact position of this variant cannot be determined from the data, sub-genic copy number gains are generally in tandem (PMID: 25640679). This variant is predicted to be out-of-frame, and may result in an absent or disrupted protein product. Loss-of-function variants in FAM161A are known to be pathogenic (PMID: 20705278, 20705279, 24651477). This variant has not been reported in the literature in individuals affected with FAM161A-related conditions. In summary, the currently available evidence indicates that the variant is pathogenic, but additional data are needed to prove that conclusively. Therefore, this variant has been classified as Likely Pathogenic.

Literature cited by the submitters: PubMed 25640679; PubMed 20705278; PubMed 20705279; PubMed 24651477.

NC_000002.11:g.(?_62063125)_(62063264_?)dup

Gene: FAM161A (FAM161 centrosomal protein A; minus strand). Cytogenetic location: 2p15.
Variant type: Duplication.
Identifiers: ClinVar variation 3247487 (VCV003247487.1).